The following is an entry in ClinVar:

ClinVar aggregate classification (germline): Uncertain significance (1 of 4 stars; one submission).

Allele frequency attached by ClinVar (database versions not stated): gnomAD exomes below 0.00001.
gnomAD v4.1: 2 of 1,612,990 alleles (0.00012%); highest among the groups gnomAD compares: Non-Finnish European, 0.00017%; no homozygotes.

Submission:

Labcorp Genetics (formerly Invitae), Labcorp
Classification: Uncertain significance. Last evaluated: 2024-04-01. Review status: criteria provided, single submitter. Criteria: Invitae Variant Classification Sherloc (09022015). Collection method: clinical testing. Allele origin: germline.
Comment: This sequence change replaces leucine, which is neutral and non-polar, with valine, which is neutral and non-polar, at codon 4335 of the KMT2C protein (p.Leu4335Val). This variant is not present in population databases (gnomAD no frequency). This variant has not been reported in the literature in individuals affected with KMT2C-related conditions. ClinVar contains an entry for this variant (Variation ID: 1514694). An algorithm developed to predict the effect of missense changes on protein structure and function (PolyPhen-2) suggests that this variant is likely to be tolerated. Algorithms developed to predict the effect of sequence changes on RNA splicing suggest that this variant may create or strengthen a splice site. In summary, the available evidence is currently insufficient to determine the role of this variant in disease. Therefore, it has been classified as a Variant of Uncertain Significance.

NM_170606.3(KMT2C):c.13003C>G (p.Leu4335Val)

Gene: KMT2C (lysine methyltransferase 2C; minus strand). Cytogenetic location: 7q36.1.
Variant type: single nucleotide variant.
Coding change: c.13003C>G on transcript NM_170606.3 (MANE Select); coding-DNA position 13003, C replaced by G.
Protein change: p.Leu4335Val; replaces leucine 4335 with valine.
Molecular consequence: missense variant.
Genome position (GRCh38, 1-based): chr7:152,148,924, G>C on the plus strand (C>G on the coding strand, the complement: KMT2C is on the minus strand). VCF-style: chr7-152148924-G-C. GRCh37 (hg19) VCF-style: chr7-151846009-G-C.
Other names: short protein forms L4335V.
Identifiers: ClinVar variation 1514694 (VCV001514694.6), dbSNP rs2129095606, ClinGen allele CA370093518.